The following is an entry in ClinVar:

NM_001110556.2(FLNA):c.3035C>T (p.Ser1012Leu)

Gene: FLNA (filamin A; minus strand). Cytogenetic location: Xq28.
Variant type: single nucleotide variant.
Coding change: c.3035C>T on transcript NM_001110556.2 (MANE Select); coding-DNA position 3035, C replaced by T.
Protein change: p.Ser1012Leu; replaces serine 1012 with leucine.
Molecular consequence: missense variant.
Genome position (GRCh38, 1-based): chrX:154,361,480, G>A on the plus strand (C>T on the coding strand, the complement: FLNA is on the minus strand). VCF-style: chrX-154361480-G-A. GRCh37 (hg19) VCF-style: chrX-153589848-G-A.
Other names: p.S1012L:TCG>TTG; c.3035C>T, p.Ser1012Leu (NM_001456.4); short protein forms S1012L.
Identifiers: ClinVar variation 93753 (VCV000093753.47), dbSNP rs17091204, ClinGen allele CA285479.
Genomic context (GRCh38, chrX:154,361,480, plus strand): 5'-CGCACCACACTGTTGTCAGCCCCCAGGCCTGGCTCCACCTTGCAGGGCACCGCTGCACCC[G>A]AGGGGCCCACAATCTTGGATGCCACTTTGCCTTGACCACCAGCACCCTTTGATTTGACTG-3'
Protein context (NP_001104026.1, residues 1002-1022): GKVASKIVGP[Ser1012Leu]GAAVPCKVEP

ClinVar aggregate classification (germline): Benign/Likely benign. Review status: criteria provided, multiple submitters, no conflicts (2 of 4 stars). 19 submissions from 19 submitters: Benign (9); Likely benign (6). 4 of the submissions do not count toward it. Last evaluated 2026-02-04.

Conditions:
Heterotopia, periventricular, X-linked dominant (PVNH1). Also called: PERIVENTRICULAR NODULAR HETEROTOPIA 1; X-linked periventricular heterotopia; PERIVENTRICULAR NODULAR HETEROTOPIA 4; HETEROTOPIA, PERIVENTRICULAR, 1. Identifiers: Orphanet 2149, Orphanet 82004, MedGen C1848213, MONDO:0010233, OMIM 300049.
Frontometaphyseal dysplasia (FMD1). Identifiers: Orphanet 1826, MedGen C0265293, MONDO:0015942.
Melnick-Needles syndrome (MNS). Also called: Melnick-Needles Syndrome (FLNA-MNS); MELNICK-NEEDLES OSTEODYSPLASTY; OSTEODYSPLASTY OF MELNICK AND NEEDLES. Identifiers: Orphanet 2484, MedGen C0025237, MONDO:0010650, OMIM 309350.
Oto-palato-digital syndrome, type II (OPD2). Also called: Otopalatodigital Syndrome Type 2 (FLNA-OPD2); OPD II SYNDROME; Otopalatodigital Syndrome, Type II; FACIOPALATOOSSEOUS SYNDROME. Identifiers: Orphanet 669, Orphanet 90652, MedGen C1844696, MONDO:0010571, OMIM 304120.
Connective tissue disorder. Also called: Connective tissue disease. Identifiers: MedGen C0009782, MONDO:0003900.
FG syndrome 2 (FGS2). Identifiers: MedGen C1845902, MONDO:0010297, OMIM 300321.
Cardiac valvular dysplasia, X-linked (CVDPX). Also called: Congenital valvular dysplasia; FLNA-Related X-linked Cardiac Valvular Dysplasia; MYXOMATOUS VALVULAR DYSTROPHY, X-LINKED; VALVULAR HEART DISEASE, CONGENITAL; Isolated X-Linked Cardiac Valvular Dysplasia. Identifiers: Orphanet 1864, Orphanet 555877, Orphanet 75497, MedGen C0262436, MONDO:0010753, OMIM 314400.
Intestinal pseudoobstruction, neuronal, chronic idiopathic, X-linked (CIIPX). Also called: INTESTINAL PSEUDOOBSTRUCTION, NEURONAL, CHRONIC IDIOPATHIC, WITH CENTRAL NERVOUS SYSTEM INVOLVEMENT; CONGENITAL IDIOPATHIC INTESTINAL PSEUDOOBSTRUCTION; FLNA-Related Periventricular Nodular Heterotopia (FLNA-Related PVNH; Huttenlocher Syndrome). Identifiers: Orphanet 2301, MedGen C2746068, MONDO:0010232, OMIM 300048.
Terminal osseous dysplasia-pigmentary defects syndrome. Also called: Terminal Osseous Dysplasia (FLNA-TOD); ODPF SYNDROME; OSSEOUS DYSPLASIA, DIGITAL, WITH FACIAL PIGMENTARY DEFECTS AND MULTIPLE FRENULA; ODPD; TERMINAL OSSEOUS DYSPLASIA AND PIGMENTARY DEFECTS. Identifiers: Orphanet 88630, MedGen C1846129, MONDO:0010279, OMIM 300244.
Oto-palato-digital syndrome, type I (OPD1). Also called: Otopalatodigital Syndrome Type 1 (FLNA-OPD1); OPD I SYNDROME; OPD SYNDROME 1; Taybi syndrome; Otopalatodigital Syndrome, Type I. Identifiers: Orphanet 669, Orphanet 90650, MedGen C0265251, MONDO:0010704, OMIM 311300.
Frontometaphyseal dysplasia 1 (FMD1). Also called: Frontometaphyseal Dysplasia (FLNA-FMD). Identifiers: Orphanet 1826, MedGen C4281559, MONDO:0024550, OMIM 305620.
Familial thoracic aortic aneurysm and aortic dissection (TAAD). Also called: Thoracic aortic aneurysms and dissections. Identifiers: Orphanet 91387, MedGen C4707243, MONDO:0019625.

Allele frequency attached by ClinVar (database versions not stated): 1000 Genomes Project 0.04371; TOPMed 0.04491; gnomAD exomes 0.00401 and 0.01107; ExAC 0.01321; gnomAD 0.03825 and 0.04081; 1000 Genomes Project 30x 0.04599; ESP Exome Variant Server 0.04886.

Submissions (19):

Labcorp Genetics (formerly Invitae), Labcorp
Classification: Benign for Oto-palato-digital syndrome, type II; Heterotopia, periventricular, X-linked dominant; Frontometaphyseal dysplasia; Melnick-Needles syndrome. Last evaluated: 2026-02-04. Review status: criteria provided, single submitter. Criteria: Invitae Variant Classification Sherloc (09022015). Collection method: clinical testing. Allele origin: germline.

ARUP Laboratories, Molecular Genetics and Genomics, ARUP Laboratories
Classification: Benign. Last evaluated: 2025-07-07. Review status: criteria provided, single submitter. Criteria: ARUP Molecular Germline Variant Investigation Process 2024. Collection method: clinical testing. Allele origin: germline.

Molecular Diagnostic Laboratory for Inherited Cardiovascular Disease, Montreal Heart Institute
Classification: Benign. Last evaluated: 2025-04-09. Review status: criteria provided, single submitter. Criteria: ACMG Guidelines, 2015. Collection method: clinical testing. Allele origin: germline. Affected: no.
Comment: BA1;BP6

Athena Diagnostics
Classification: Benign. Last evaluated: 2024-12-31. Review status: criteria provided, single submitter. Criteria: Athena Diagnostics Criteria. Collection method: clinical testing. Allele origin: unknown.
Comment: The frequency of this variant in the general population is higher than would generally be expected for pathogenic variants in this gene.

Blueprint Genetics
Classification: Likely benign. Last evaluated: 2024-11-14. Review status: criteria provided, single submitter. Criteria: ACMG Guidelines, 2015. Collection method: clinical testing. Allele origin: germline.

Mayo Clinic Laboratories, Mayo Clinic
Classification: Benign. Last evaluated: 2023-09-27. Review status: criteria provided, single submitter. Criteria: ACMG Guidelines, 2015. Collection method: clinical testing. Allele origin: germline. Observed: 93 variant alleles.
Comment: BA1, BS1

Women's Health and Genetics/Laboratory Corporation of America, LabCorp
Classification: Likely benign. Last evaluated: 2023-07-21. Review status: criteria provided, single submitter. Criteria: LabCorp Variant Classification Summary - May 2015. Collection method: clinical testing. Allele origin: germline.

Fulgent Genetics
Classification: Likely benign for Intestinal pseudoobstruction, neuronal, chronic idiopathic, X-linked; Heterotopia, periventricular, X-linked dominant; Terminal osseous dysplasia-pigmentary defects syndrome; FG syndrome 2; Oto-palato-digital syndrome, type II; Frontometaphyseal dysplasia 1; Melnick-Needles syndrome; Oto-palato-digital syndrome, type I; Cardiac valvular dysplasia, X-linked. Last evaluated: 2021-12-01. Review status: criteria provided, single submitter. Criteria: ACMG Guidelines, 2015. Collection method: clinical testing. Allele origin: unknown.

Center for Human Genetics, Inc
Classification: Likely benign for Connective tissue disorder. Last evaluated: 2016-11-01. Review status: criteria provided, single submitter. Criteria: ACMG Guidelines, 2015. Collection method: clinical testing. Allele origin: germline. Affected: yes.

Center for Pediatric Genomic Medicine, Children's Mercy Hospital and Clinics
Classification: Benign. Last evaluated: 2016-02-11. Review status: criteria provided, single submitter. Criteria: ACMG Guidelines, 2015. Collection method: clinical testing. Allele origin: germline.

Ambry Genetics
Classification: Benign for Familial thoracic aortic aneurysm and aortic dissection. Last evaluated: 2015-07-20. Review status: criteria provided, single submitter. Criteria: Ambry Variant Classification Scheme 2023. Collection method: clinical testing. Allele origin: germline.

Eurofins Ntd Llc (ga)
Classification: Benign. Last evaluated: 2014-06-05. Review status: criteria provided, single submitter. Criteria: EGL Classification Definitions 2015. Collection method: clinical testing. Allele origin: germline. Observed: 2 variant alleles, 1 heterozygote, 1 homozygote.

GeneDx
Classification: Benign. Last evaluated: 2014-03-21. Review status: criteria provided, single submitter. Criteria: GeneDx Variant Classification (06012015). Collection method: clinical testing. Allele origin: germline. Affected: yes.
Comment: This variant is considered likely benign or benign based on one or more of the following criteria: it is a conservative change, it occurs at a poorly conserved position in the protein, it is predicted to be benign by multiple in silico algorithms, and/or has population frequency not consistent with disease.

Claritas Genomics
Classification: Likely benign. Last evaluated: 2013-07-10. Review status: criteria provided, single submitter. Criteria: ACMG Guidelines, 2007. Collection method: clinical testing. Allele origin: germline. Inheritance: X-linked inheritance.

Breakthrough Genomics
Classification: Likely benign. Review status: criteria provided, single submitter. Criteria: ACMG Guidelines, 2015. Collection method: not provided. Allele origin: germline. Inheritance: X-linked inheritance. Affected: yes.

Clinical Genetics DNA and cytogenetics Diagnostics Lab, Erasmus MC, Erasmus Medical Center
Classification: Benign. Review status: no assertion criteria provided. Collection method: clinical testing. Allele origin: germline. Affected: yes. Study: VKGL Data-share Consensus. Not counted in ClinVar's aggregate classification.

Genetic Services Laboratory, University of Chicago
Classification: Likely benign for AllHighlyPenetrant. Review status: no assertion criteria provided. Collection method: clinical testing. Allele origin: germline. Inheritance: X-linked inheritance. Not counted in ClinVar's aggregate classification.
Comment: Likely benign based on allele frequency in 1000 Genomes Project or ESP global frequency and its presence in a patient with a rare or unrelated disease phenotype. NOT Sanger confirmed.

Genome Diagnostics Laboratory, Amsterdam University Medical Center
Classification: Benign. Review status: no assertion criteria provided. Collection method: clinical testing. Allele origin: germline. Affected: yes. Study: VKGL Data-share Consensus. Not counted in ClinVar's aggregate classification.

Laboratory of Diagnostic Genome Analysis, Leiden University Medical Center (LUMC)
Classification: Likely benign. Review status: no assertion criteria provided. Collection method: clinical testing. Allele origin: germline. Affected: yes. Study: VKGL Data-share Consensus. Not counted in ClinVar's aggregate classification.